The following is an entry in ClinVar:

NM_078470.6(COX15):c.987+1G>A

Gene: COX15 (cytochrome c oxidase assembly factor COX15; minus strand). Cytogenetic location: 10q24.2.
Variant type: single nucleotide variant.
Coding change: c.987+1G>A on transcript NM_078470.6 (MANE Select); the canonical splice donor site of the intron after coding-DNA position 987, G replaced by A.
Molecular consequence: splice donor variant. On other transcripts: intron variant (2).
Genome position (GRCh38, 1-based): chr10:99,718,345, C>T on the plus strand (G>A on the coding strand, the complement: COX15 is on the minus strand). VCF-style: chr10-99718345-C-T. GRCh37 (hg19) VCF-style: chr10-101478102-C-T.
Other names: c.987+1G>A (NM_001320974.2, NM_001372027.1, NM_004376.7 and 2 more transcripts); c.450+1G>A (NM_001320976.2); c.960+1G>A (NM_001372026.1); c.833-1884G>A (NM_001372028.1, NM_001320975.2).
Identifiers: ClinVar variation 2806453 (VCV002806453.3), dbSNP rs746383265, ClinGen allele CA378101971.

ClinVar aggregate classification (germline): Likely pathogenic (1 of 4 stars; one submission).

Submission:

Labcorp Genetics (formerly Invitae), Labcorp
Classification: Likely pathogenic. Last evaluated: 2023-01-20. Review status: criteria provided, single submitter. Criteria: Invitae Variant Classification Sherloc (09022015). Collection method: clinical testing. Allele origin: germline.
Comment: In summary, the currently available evidence indicates that the variant is pathogenic, but additional data are needed to prove that conclusively. Therefore, this variant has been classified as Likely Pathogenic. Algorithms developed to predict the effect of sequence changes on RNA splicing suggest that this variant may disrupt the consensus splice site. This variant has not been reported in the literature in individuals affected with COX15-related conditions. This variant is not present in population databases (gnomAD no frequency). This sequence change affects a donor splice site in intron 7 of the COX15 gene. It is expected to disrupt RNA splicing. Variants that disrupt the donor or acceptor splice site typically lead to a loss of protein function (PMID: 16199547), and loss-of-function variants in COX15 are known to be pathogenic (PMID: 15863660, 21412973).

Literature cited by the submitters: PubMed 16199547; PubMed 15863660; PubMed 21412973.